The following is an entry in ClinVar:

NM_017570.5(OPLAH):c.1030G>A (p.Ala344Thr)

Gene: OPLAH (5-oxoprolinase, ATP-hydrolysing; minus strand). Cytogenetic location: 8q24.3.
Variant type: single nucleotide variant.
Coding change: c.1030G>A on transcript NM_017570.5 (MANE Select); coding-DNA position 1030, G replaced by A.
Protein change: p.Ala344Thr; replaces alanine 344 with threonine.
Molecular consequence: missense variant.
Genome position (GRCh38, 1-based): chr8:144,058,068, C>T on the plus strand (G>A on the coding strand, the complement: OPLAH is on the minus strand). VCF-style: chr8-144058068-C-T. GRCh37 (hg19) VCF-style: chr8-145112971-C-T.
Other names: short protein forms A344T.
Identifiers: ClinVar variation 1473928 (VCV001473928.4), dbSNP rs199914741, ClinGen allele CA4932042.
Genomic context (GRCh38, chr8:144,058,068, plus strand): 5'-ACCTGAAGAAGAGGCGGGAACCCCCTCCCGCTGCCACGGTGTTGATGTCCAGCTGCGGGG[C>T]CTGGAGGGTGACGCCAGCTGTGCTGGCCTCGAAGACGTGCTCGAATTCCCCAGCATAGCG-3'
Protein context (NP_060040.1, residues 334-354): EASTAGVTLQ[Ala344Thr]PQLDINTVAA

ClinVar aggregate classification (germline): Uncertain significance. Review status: criteria provided, multiple submitters, no conflicts (2 of 4 stars). 2 submissions from 2 submitters: Uncertain significance (2). Last evaluated 2022-01-07.

Conditions:
5-Oxoprolinase deficiency (OPLAHD). Also called: 5-OXOPROLINURIA DUE TO 5-OXOPROLINASE DEFICIENCY. Identifiers: Orphanet 33572, MedGen C0268525, MONDO:0009825, OMIM 260005, HP:0040142.

Allele frequency attached by ClinVar (database versions not stated): gnomAD 0.00005 and 0.00006; gnomAD exomes 0.00012 and 0.00017; TOPMed 0.00012; 1000 Genomes Project 30x 0.00016; ExAC 0.00019; 1000 Genomes Project 0.00020.

Submissions (2):

Fulgent Genetics
Classification: Uncertain significance for 5-Oxoprolinase deficiency. Last evaluated: 2022-01-07. Review status: criteria provided, single submitter. Criteria: ACMG Guidelines, 2015. Collection method: clinical testing. Allele origin: unknown.

Labcorp Genetics (formerly Invitae), Labcorp
Classification: Uncertain significance for 5-Oxoprolinase deficiency. Last evaluated: 2021-12-09. Review status: criteria provided, single submitter. Criteria: Invitae Variant Classification Sherloc (09022015). Collection method: clinical testing. Allele origin: germline.
Comment: This sequence change replaces alanine, which is neutral and non-polar, with threonine, which is neutral and polar, at codon 344 of the OPLAH protein (p.Ala344Thr). This variant is present in population databases (rs199914741, gnomAD 0.2%). This variant has not been reported in the literature in individuals affected with OPLAH-related conditions. Algorithms developed to predict the effect of missense changes on protein structure and function are either unavailable or do not agree on the potential impact of this missense change (SIFT: "Not Available"; PolyPhen-2: "Probably Damaging"; Align-GVGD: "Not Available"). In summary, the available evidence is currently insufficient to determine the role of this variant in disease. Therefore, it has been classified as a Variant of Uncertain Significance.